The following is an entry in ClinVar:

ClinVar aggregate classification (germline): Benign (0 of 4 stars; one submission).

Conditions:
SHROOM2-related disorder. Also called: SHROOM2-related condition.

Allele frequency attached by ClinVar (database versions not stated): ESP Exome Variant Server 0.17015; gnomAD 0.17405; ExAC 0.18436; TOPMed 0.19416; 1000 Genomes Project 30x 0.20479; 1000 Genomes Project 0.20821.
gnomAD v4.1: 177,714 of 1,205,657 alleles (15%); highest among the groups gnomAD compares: East Asian, 35%; 10,437 homozygotes.

Submission:

PreventionGenetics, part of Exact Sciences
Classification: Benign for SHROOM2-related condition. Last evaluated: 2024-07-29. Review status: no assertion criteria provided. Collection method: clinical testing. Allele origin: germline.
Comment: This variant is classified as benign based on ACMG/AMP sequence variant interpretation guidelines (Richards et al. 2015 PMID: 25741868, with internal and published modifications).

NM_001649.4(SHROOM2):c.1164A>G (p.Pro388=)

Gene: SHROOM2 (shroom family member 2; plus strand). Cytogenetic location: Xp22.2.
Variant type: single nucleotide variant.
Coding change: c.1164A>G on transcript NM_001649.4 (MANE Select); coding-DNA position 1164, A replaced by G.
Protein change: p.Pro388=; no amino-acid change (proline 388 retained).
Molecular consequence: synonymous variant.
Genome position (GRCh38, 1-based): chrX:9,895,072, A>G. VCF-style: chrX-9895072-A-G. GRCh37 (hg19) VCF-style: chrX-9863112-A-G.
Identifiers: ClinVar variation 3056483 (VCV003056483.2), dbSNP rs6530341, ClinGen allele CA10345343.
Genomic context (GRCh38, chrX:9,895,072, plus strand): 5'-GCCTTGGAGGTCAGCACACCCGGGGAGCCTCGGGAAGGGATCGGGAGGCCCGGGCTGCCC[A>G]CAGGAGGCCCACGCAGACGGCAGCTGGCCGCCCTCCAAGGATGGAGCTTCCAGTAGGCTG-3'
Protein context (NP_001640.1, residues 378-398): LGKGSGGPGC[Pro388=]QEAHADGSWP